The following is an entry in ClinVar:

ClinVar aggregate classification (germline): Uncertain significance. Review status: criteria provided, multiple submitters, no conflicts (2 of 4 stars). 4 submissions from 4 submitters: Uncertain significance (4). Last evaluated 2026-02-01.

Conditions:
Cardiovascular phenotype. Identifiers: MedGen CN230736.

Allele frequency attached by ClinVar (database versions not stated): gnomAD 0.00002; TOPMed 0.00002; gnomAD exomes 0.00004.
gnomAD v4.1: 53 of 1,550,218 alleles (0.0034%); highest among the groups gnomAD compares: Non-Finnish European, 0.0042%; no homozygotes.

Submissions (4):

CeGaT Center for Human Genetics Tuebingen
Classification: Uncertain significance. Last evaluated: 2026-02-01. Review status: criteria provided, single submitter. Criteria: CeGaT Center For Human Genetics Tuebingen Variant Classification Criteria Version 2. Collection method: clinical testing. Allele origin: germline. Affected: yes. Observed: 1 variant allele.
Comment: ZNF469: PM2, BP4

Women's Health and Genetics/Laboratory Corporation of America, LabCorp
Classification: Uncertain significance. Last evaluated: 2025-12-02. Review status: criteria provided, single submitter. Criteria: LabCorp Variant Classification Summary - May 2015. Collection method: clinical testing. Allele origin: germline.
Comment: Variant summary: ZNF469 c.6853G>T (p.Ala2285Ser) results in a conservative amino acid change in the encoded protein sequence. Algorithms developed to predict the effect of missense changes on protein structure and function all suggest that this variant is likely to be tolerated. The variant allele was found at a frequency of 6.6e-06 in 151932 control chromosomes (gnomAD). The available data on variant occurrences in the general population are insufficient to allow any conclusion about variant significance. To our knowledge, no occurrence of c.6853G>T in individuals affected with ZNF469-related conditions and no experimental evidence demonstrating its impact on protein function have been reported. ClinVar contains an entry for this variant (Variation ID: 1755324). Based on the evidence outlined above, the variant was classified as uncertain significance.

Labcorp Genetics (formerly Invitae), Labcorp
Classification: Uncertain significance. Last evaluated: 2025-11-08. Review status: criteria provided, single submitter. Criteria: Invitae Variant Classification Sherloc (09022015). Collection method: clinical testing. Allele origin: germline.
Comment: This sequence change replaces alanine, which is neutral and non-polar, with serine, which is neutral and polar, at codon 2257 of the ZNF469 protein (p.Ala2257Ser). This variant is present in population databases (no rsID available, gnomAD 0.004%). This variant has not been reported in the literature in individuals affected with ZNF469-related conditions. ClinVar contains an entry for this variant (Variation ID: 1755324). An algorithm developed to predict the effect of missense changes on protein structure and function (PolyPhen-2) suggests that this variant is likely to be disruptive. In summary, the available evidence is currently insufficient to determine the role of this variant in disease. Therefore, it has been classified as a Variant of Uncertain Significance.

Ambry Genetics
Classification: Uncertain significance for Cardiovascular phenotype. Last evaluated: 2025-04-24. Review status: criteria provided, single submitter. Criteria: Ambry Variant Classification Scheme 2023. Collection method: clinical testing. Allele origin: germline.
Comment: The p.A2257S variant (also known as c.6769G>T), located in coding exon 2 of the ZNF469 gene, results from a G to T substitution at nucleotide position 6769. The alanine at codon 2257 is replaced by serine, an amino acid with similar properties. This amino acid position is conserved. In addition, this alteration is predicted to be tolerated by in silico analysis. Since supporting evidence is limited at this time, the clinical significance of this alteration remains unclear.

NM_001367624.2(ZNF469):c.6853G>T (p.Ala2285Ser)

Gene: ZNF469 (zinc finger protein 469; plus strand). Cytogenetic location: 16q24.2.
Variant type: single nucleotide variant.
Coding change: c.6853G>T on transcript NM_001367624.2 (MANE Select); coding-DNA position 6853, G replaced by T.
Protein change: p.Ala2285Ser; replaces alanine 2285 with serine.
Molecular consequence: missense variant.
Genome position (GRCh38, 1-based): chr16:88,434,323, G>T. VCF-style: chr16-88434323-G-T. GRCh37 (hg19) VCF-style: chr16-88500731-G-T.
Other names: NM_001127464.1:c.6769G>T; short protein forms A2285S.
Identifiers: ClinVar variation 1755324 (VCV001755324.11), dbSNP rs924807506, ClinGen allele CA286382111.